The following is an entry in ClinVar:

NM_000796.6(DRD3):c.1077C>T (p.His359=)

Gene: DRD3 (dopamine receptor D3; minus strand). Cytogenetic location: 3q13.31.
Variant type: single nucleotide variant.
Coding change: c.1077C>T on transcript NM_000796.6 (MANE Select); coding-DNA position 1077, C replaced by T.
Protein change: p.His359=; no amino-acid change (histidine 359 retained).
Molecular consequence: synonymous variant.
Genome position (GRCh38, 1-based): chr3:114,128,842, G>A on the plus strand (C>T on the coding strand, the complement: DRD3 is on the minus strand). VCF-style: chr3-114128842-G-A. GRCh37 (hg19) VCF-style: chr3-113847689-G-A.
Other names: c.1077C>T, p.His359= (NM_001282563.2, NM_001290809.1); c.978C>T, p.His326= (NM_033663.6).
Identifiers: ClinVar variation 342595 (VCV000342595.32), dbSNP rs3732791, ClinGen allele CA2550455.

ClinVar aggregate classification (germline): Benign/Likely benign. Review status: criteria provided, multiple submitters, no conflicts (2 of 4 stars). 3 submissions from 3 submitters: Benign (2); Likely benign (1). Last evaluated 2026-02-01.

Conditions:
Tremor, hereditary essential, 1 (ETM1). Also called: Familial essential tremor. Identifiers: MedGen C1860861, MONDO:0008590, OMIM 190300.

Allele frequency attached by ClinVar (database versions not stated): ExAC 0.00242; 1000 Genomes Project 30x 0.00422; 1000 Genomes Project 0.00499; gnomAD 0.00029 and 0.00088; TOPMed 0.00074; gnomAD exomes 0.00213.
gnomAD v4.1: 1,576 of 1,613,932 alleles (0.098%); highest among the groups gnomAD compares: East Asian, 1.3%; 15 homozygotes.

Submissions (3):

CeGaT Center for Human Genetics Tuebingen
Classification: Benign. Last evaluated: 2026-02-01. Review status: criteria provided, single submitter. Criteria: CeGaT Center For Human Genetics Tuebingen Variant Classification Criteria Version 2. Collection method: clinical testing. Allele origin: germline. Affected: yes. Observed: 2 variant alleles.
Comment: DRD3: BP4, BP7, BS1, BS2

Labcorp Genetics (formerly Invitae), Labcorp
Classification: Benign. Last evaluated: 2018-07-09. Review status: criteria provided, single submitter. Criteria: Invitae Variant Classification Sherloc (09022015). Collection method: clinical testing. Allele origin: germline.

Illumina Laboratory Services, Illumina
Classification: Likely benign for Tremor, hereditary essential, 1. Last evaluated: 2018-01-13. Review status: criteria provided, single submitter. Criteria: ICSL Variant Classification Criteria 13 December 2019. Collection method: clinical testing. Allele origin: germline.
Comment: This variant was observed in the ICSL laboratory as part of a predisposition screen in an ostensibly healthy population. It had not been previously curated by ICSL or reported in the Human Gene Mutation Database (HGMD: prior to June 1st, 2018), and was therefore a candidate for classification through an automated scoring system. Utilizing variant allele frequency, disease prevalence and penetrance estimates, and inheritance mode, an automated score was calculated to assess if this variant is too frequent to cause the disease. Based on the score and internal cut-off values, a variant classified as likely benign is not then subjected to further curation. The score for this variant resulted in a classification of likely benign for this disease.